The following is an entry in ClinVar:

NM_000059.4(BRCA2):c.5875_5876delinsTTT (p.Lys1959fs)

Gene: BRCA2 (BRCA2 DNA repair associated; plus strand). Cytogenetic location: 13q13.1.
Variant type: Indel.
Coding change: c.5875_5876delinsTTT on transcript NM_000059.4 (MANE Select); coding-DNA positions 5875 to 5876, AA replaced by TTT.
Protein change: p.Lys1959fs; shifts the reading frame from lysine 1959.
Molecular consequence: frameshift variant.
Genome position (GRCh38, 1-based): chr13:32,340,230-32,340,231, AA replaced by TTT. VCF-style: chr13-32340230-AA-TTT. GRCh37 (hg19) VCF-style: chr13-32914367-AA-TTT.
Other names: short protein forms K1959fs.
Identifiers: ClinVar variation 643455 (VCV000643455.7), dbSNP rs1593906774, ClinGen allele CA915948498.

ClinVar aggregate classification (germline): Pathogenic. Review status: criteria provided, multiple submitters, no conflicts (2 of 4 stars). 2 submissions from 2 submitters: Pathogenic (2). Last evaluated 2023-11-07.

Conditions:
Hereditary breast ovarian cancer syndrome. Also called: Hereditary breast and ovarian cancer syndrome; Hereditary breast and/or ovarian cancer syndrome; Breast and ovarian cancer; BRCA1- and BRCA2-Associated Hereditary Breast and Ovarian Cancer; Hereditary breast and ovarian cancer; Hereditary breast and ovarian cancer syndrome (HBOC). Identifiers: Orphanet 145, MedGen C0677776, MeSH D061325, MONDO:0003582. Disease mechanism: loss of function.
Breast-ovarian cancer, familial, susceptibility to, 2 (BROVCA2). Also called: BRCA2 Hereditary Breast and Ovarian Cancer. Identifiers: Orphanet 145, MedGen C2675520, MONDO:0012933, OMIM 612555. Disease mechanism: loss of function.

Submissions (2):

Myriad Genetics, Inc.
Classification: Pathogenic for Breast-ovarian cancer, familial, susceptibility to, 2. Last evaluated: 2023-11-07. Review status: criteria provided, single submitter. Criteria: Myriad Autosomal Dominant, Autosomal Recessive and X-Linked Classification Criteria (2023). Collection method: clinical testing. Allele origin: unknown.
Comment: This variant is considered pathogenic. This variant creates a frameshift predicted to result in premature protein truncation.

Labcorp Genetics (formerly Invitae), Labcorp
Classification: Pathogenic for Hereditary breast ovarian cancer syndrome. Last evaluated: 2018-11-29. Review status: criteria provided, single submitter. Criteria: Invitae Variant Classification Sherloc (09022015). Collection method: clinical testing. Allele origin: germline.
Comment: For these reasons, this variant has been classified as Pathogenic. Loss-of-function variants in BRCA2 are known to be pathogenic (PMID: 20104584). This variant has not been reported in the literature in individuals with BRCA2-related conditions. This variant is not present in population databases (ExAC no frequency). This sequence change creates a premature translational stop signal (p.Lys1959Phefs*3) in the BRCA2 gene. It is expected to result in an absent or disrupted protein product.

Literature cited by the submitters: PubMed 20104584 (cited by Labcorp Genetics (formerly Invitae), Labcorp).